The following is an entry in ClinVar:

ClinVar aggregate classification (germline): Uncertain significance. Review status: criteria provided, multiple submitters, no conflicts (2 of 4 stars). 2 submissions from 2 submitters: Uncertain significance (2). Last evaluated 2023-07-25.

Allele frequency attached by ClinVar (database versions not stated): gnomAD 0.00003; TOPMed 0.00004; ExAC 0.00006; gnomAD exomes 0.00007; ESP Exome Variant Server 0.00015.
gnomAD v4.1: 108 of 1,610,514 alleles (0.0067%); highest among the groups gnomAD compares: Non-Finnish European, 0.0081%; no homozygotes.

Submissions (2):

Ambry Genetics
Classification: Uncertain significance. Last evaluated: 2023-07-25. Review status: criteria provided, single submitter. Criteria: Ambry Variant Classification Scheme 2023. Collection method: clinical testing. Allele origin: germline.

CeGaT Center for Human Genetics Tuebingen
Classification: Uncertain significance. Last evaluated: 2022-11-01. Review status: criteria provided, single submitter. Criteria: CeGaT Center For Human Genetics Tuebingen Variant Classification Criteria Version 2. Collection method: clinical testing. Allele origin: germline. Affected: yes. Observed: 1 variant allele.
Comment: FIP1L1: PP3

NM_030917.4(FIP1L1):c.1730C>T (p.Ala577Val)

Genes: FIP1L1 (factor interacting with PAPOLA and CPSF1; plus strand), LNX1 (ligand of numb-protein X 1; minus strand). Cytogenetic location: 4q12.
Variant type: single nucleotide variant.
Coding change: c.1730C>T on transcript NM_030917.4 (MANE Select); coding-DNA position 1730, C replaced by T.
Protein change: p.Ala577Val; replaces alanine 577 with valine.
Molecular consequence: missense variant. On other transcripts: non-coding transcript variant (3), 3 prime UTR variant (2).
Genome position (GRCh38, 1-based): chr4:53,459,394, C>T. VCF-style: chr4-53459394-C-T. GRCh37 (hg19) VCF-style: chr4-54325561-C-T.
Other names: c.1712C>T, p.Ala571Val (NM_001134937.2); c.1508C>T, p.Ala503Val (NM_001134938.2); c.1766C>T, p.Ala589Val (NM_001376744.1); c.1757C>T, p.Ala586Val (NM_001376745.1); c.1751C>T, p.Ala584Val (NM_001376746.1); c.1654C>T, p.Arg552Trp (NM_001376747.1); c.1697C>T, p.Ala566Val (NM_001376748.1); c.1688C>T, p.Ala563Val (NM_001376749.1); and 35 more; short protein forms A501V, A502V, A510V, A516V, A526V, A537V, A541V, A553V.
Identifiers: ClinVar variation 2591135 (VCV002591135.26), dbSNP rs377576240, ClinGen allele CA2920980.
Genomic context (GRCh38, chr4:53,459,394, plus strand): 5'-GAGATAGTCACAGGAGACACAAACACAAAAAATCTAAAAGAAGCAAAGAAGGAAAAGAAG[C>T]GGGCAGTGAGCCTGCCCCTGAACAGGAGAGCACCGAAGCTACACCTGCAGAATAGGCATG-3'
Protein context (NP_112179.2, residues 567-587): KSKRSKEGKE[Ala577Val]GSEPAPEQES